The following is an entry in ClinVar:

NM_001363540.2(DOCK4):c.3778C>T (p.Arg1260Cys)

Gene: DOCK4 (dedicator of cytokinesis 4; minus strand). Cytogenetic location: 7q31.1.
Variant type: single nucleotide variant.
Coding change: c.3778C>T on transcript NM_001363540.2 (MANE Select); coding-DNA position 3778, C replaced by T.
Protein change: p.Arg1260Cys; replaces arginine 1260 with cysteine.
Molecular consequence: missense variant.
Genome position (GRCh38, 1-based): chr7:111,769,579, G>A on the plus strand (C>T on the coding strand, the complement: DOCK4 is on the minus strand). VCF-style: chr7-111769579-G-A. GRCh37 (hg19) VCF-style: chr7-111409635-G-A.
Other names: c.3751C>T (NM_014705.3); c.3751C>T, p.Arg1251Cys (NM_014705.4); short protein forms R1251C, R1260C.
Identifiers: ClinVar variation 3033254 (VCV003033254.3), dbSNP rs1401315161, ClinGen allele CA368956488.

ClinVar aggregate classification (germline): Uncertain significance. Review status: criteria provided, single submitter (1 of 4 stars). 2 submissions from 2 submitters: Uncertain significance (1). 1 of the submissions does not count toward it. Last evaluated 2025-11-26.

Conditions:
DOCK4-related disorder. Also called: DOCK4-related condition.

Allele frequency attached by ClinVar (database versions not stated): gnomAD 0.00001.
gnomAD v4.1: 5 of 1,613,658 alleles (0.00031%); highest among the groups gnomAD compares: Admixed American, 0.0017%; no homozygotes.

Submissions (2):

Ambry Genetics
Classification: Uncertain significance. Last evaluated: 2025-11-26. Review status: criteria provided, single submitter. Criteria: Ambry Variant Classification Scheme 2023. Collection method: clinical testing. Allele origin: germline.

PreventionGenetics, part of Exact Sciences
Classification: Uncertain significance for DOCK4-related condition. Last evaluated: 2023-11-01. Review status: no assertion criteria provided. Collection method: clinical testing. Allele origin: germline. Not counted in ClinVar's aggregate classification.
Comment: The DOCK4 c.3778C>T variant is predicted to result in the amino acid substitution p.Arg1260Cys. To our knowledge, this variant has not been reported in the literature or in a large population database, indicating this variant is rare. At this time, the clinical significance of this variant is uncertain due to the absence of conclusive functional and genetic evidence.